The following is an entry in ClinVar:

ClinVar aggregate classification (germline): Benign. Review status: criteria provided, multiple submitters, no conflicts (2 of 4 stars). 2 submissions from 2 submitters: Benign (2). Last evaluated 2018-06-16.

Allele frequency attached by ClinVar (database versions not stated): gnomAD exomes 0.10164; gnomAD 0.10527 and 0.10889; TOPMed 0.11520; 1000 Genomes Project 0.15954; 1000 Genomes Project 30x 0.16099.
gnomAD v4.1: 48,688 of 465,760 alleles (10%); highest among the groups gnomAD compares: East Asian, 21%; 3,042 homozygotes.

Submissions (2):

GeneDx
Classification: Benign. Last evaluated: 2018-06-16. Review status: criteria provided, single submitter. Criteria: GeneDx Variant Classification (06012015). Collection method: clinical testing. Allele origin: germline. Affected: yes.
Comment: This variant is considered likely benign or benign based on one or more of the following criteria: it is a conservative change, it occurs at a poorly conserved position in the protein, it is predicted to be benign by multiple in silico algorithms, and/or has population frequency not consistent with disease.

Breakthrough Genomics
Classification: Benign. Review status: criteria provided, single submitter. Criteria: ACMG Guidelines, 2015. Collection method: not provided. Allele origin: germline. Inheritance: Autosomal dominant inheritance. Affected: yes.

NM_001098511.3(KIF2A):c.457+191G>A

Gene: KIF2A (kinesin family member 2A; plus strand). Cytogenetic location: 5q12.1.
Variant type: single nucleotide variant.
Coding change: c.457+191G>A on transcript NM_001098511.3 (MANE Select); 191 bases into the intron after coding-DNA position 457, G replaced by A.
Molecular consequence: intron variant.
Genome position (GRCh38, 1-based): chr5:62,352,901, G>A. VCF-style: chr5-62352901-G-A. GRCh37 (hg19) VCF-style: chr5-61648728-G-A.
Other names: c.376+191G>A (NM_001243952.2); c.457+191G>A (NM_004520.5); c.400+248G>A (NM_001243953.2).
Identifiers: ClinVar variation 682862 (VCV000682862.2), dbSNP rs10939938, ClinGen allele CA15367421.